The following is an entry in ClinVar:

ClinVar aggregate classification (germline): Uncertain significance. Review status: reviewed by expert panel (3 of 4 stars). 4 submissions from 4 submitters: Uncertain significance (1). 3 of the submissions do not count toward it. Last evaluated 2026-04-28.

Conditions:
Creatine deficiency syndrome 1.
SLC6A8-related disorder. Also called: SLC6A8-related condition.
Creatine transporter deficiency (CCDS1). Also called: Creatine Transporter (CRTR) Deficiency; SLC6A8-Related Creatine Transporter Deficiency; CREATINE TRANSPORTER DEFECT; CEREBRAL CREATINE DEFICIENCY SYNDROME 1; Mental retardation , X-linked with seizures, short stature and midface hypoplasia; Mental retardation , X-linked, with creatine transport deficiency. Identifiers: Orphanet 52503, MedGen C1845862, MONDO:0010305, OMIM 300352.

Allele frequency attached by ClinVar (database versions not stated): gnomAD exomes below 0.00001 and 0.00002; 1000 Genomes Project 30x 0.00042.
gnomAD v4.1: 2 of 1,077,966 alleles (0.00019%); highest among the groups gnomAD compares: Admixed American, 0.0066%; no homozygotes.

Submissions (4):

ClinGen Cerebral Creatine Deficiency Syndromes Variant Curation Expert Panel, ClinGen
Classification: Uncertain significance for Creatine transporter deficiency. Last evaluated: 2026-04-28. Review status: reviewed by expert panel. Criteria: ClinGen_CCDS_ACMG_Specifications_SLC6A8_v1.1. Collection method: curation. Allele origin: germline. Inheritance: X-linked inheritance.
Comment: The NM_005629.4(SLC6A8):c.70G>C (p.Ala24Pro) variant in SLC6A8 is a missense variant predicted to cause substitution of alanine for proline at amino acid 24 (p.Ala24Pro). The maximum population minor allele frequency in gnomAD v4.1.0 is 0.00006648 (2/30082 alleles) (none of the population data codes are met). The computational predictor REVEL gives a score of 0.085 which is below the threshold of 0.20, and does not predict a damaging effect on SLC6A8 function (BP4). To our knowledge, this variant has not been previously reported in any individuals with creatine transporter deficiency in the literature. There is a ClinVar entry for this variant (Variation ID: 465148). In summary, this variant meets the criteria to be classified as a variant of uncertain significance for creatine transporter deficiency based on the SLC6A8-specific ACMG/AMP criteria applied, as specified by the ClinGen Cerebral Creatine Deficiency Syndromes Variant Curation Expert Panel (Specifications Version 1.2.0): BP4. (Classification approved by the ClinGen Cerebral Creatine Deficiency Syndromes Variant Curation Expert Panel, April 28, 2026)

Labcorp Genetics (formerly Invitae), Labcorp
Classification: Uncertain significance for Creatine transporter deficiency. Last evaluated: 2024-07-25. Review status: criteria provided, single submitter. Criteria: Invitae Variant Classification Sherloc (09022015). Collection method: clinical testing. Allele origin: germline. Not counted in ClinVar's aggregate classification.
Comment: This sequence change replaces alanine, which is neutral and non-polar, with proline, which is neutral and non-polar, at codon 24 of the SLC6A8 protein (p.Ala24Pro). This variant is present in population databases (no rsID available, gnomAD 0.009%). This variant has not been reported in the literature in individuals affected with SLC6A8-related conditions. ClinVar contains an entry for this variant (Variation ID: 465148). Advanced modeling of protein sequence and biophysical properties (such as structural, functional, and spatial information, amino acid conservation, physicochemical variation, residue mobility, and thermodynamic stability) performed at Invitae indicates that this missense variant is not expected to disrupt SLC6A8 protein function with a negative predictive value of 95%. In summary, the available evidence is currently insufficient to determine the role of this variant in disease. Therefore, it has been classified as a Variant of Uncertain Significance.

PreventionGenetics, part of Exact Sciences
Classification: Uncertain significance for SLC6A8-related condition. Last evaluated: 2024-07-10. Review status: no assertion criteria provided. Collection method: clinical testing. Allele origin: germline. Not counted in ClinVar's aggregate classification.
Comment: The SLC6A8 c.70G>C variant is predicted to result in the amino acid substitution p.Ala24Pro. To our knowledge, this variant has not been reported in the literature. This variant is reported in 0.0086% of alleles in individuals of Latino descent in gnomAD. At this time, the clinical significance of this variant is uncertain due to the absence of conclusive functional and genetic evidence.

Natera, Inc.
Classification: Uncertain significance for Creatine deficiency syndrome 1. Last evaluated: 2019-11-11. Review status: no assertion criteria provided. Collection method: clinical testing. Allele origin: germline. Not counted in ClinVar's aggregate classification.

NM_005629.4(SLC6A8):c.70G>C (p.Ala24Pro)

Gene: SLC6A8 (solute carrier family 6 member 8; plus strand). Cytogenetic location: Xq28.
Variant type: single nucleotide variant.
Coding change: c.70G>C on transcript NM_005629.4 (MANE Select); coding-DNA position 70, G replaced by C.
Protein change: p.Ala24Pro; replaces alanine 24 with proline.
Molecular consequence: missense variant.
Genome position (GRCh38, 1-based): chrX:153,688,644, G>C. VCF-style: chrX-153688644-G-C. GRCh37 (hg19) VCF-style: chrX-152954099-G-C.
Other names: NM_005629.4(SLC6A8):c.70G>C; p.Ala24Pro; c.70G>C, p.Ala24Pro (NM_001142805.2); short protein forms A24P.
Identifiers: ClinVar variation 465148 (VCV000465148.11), dbSNP rs1557043775, ClinGen allele CA415076119.